The following is an entry in ClinVar:

NM_000081.4(LYST):c.7919C>T (p.Ala2640Val)

Gene: LYST (lysosomal trafficking regulator; minus strand). Cytogenetic location: 1q42.3.
Variant type: single nucleotide variant.
Coding change: c.7919C>T on transcript NM_000081.4 (MANE Select); coding-DNA position 7919, C replaced by T.
Protein change: p.Ala2640Val; replaces alanine 2640 with valine.
Molecular consequence: missense variant.
Genome position (GRCh38, 1-based): chr1:235,746,389, G>A on the plus strand (C>T on the coding strand, the complement: LYST is on the minus strand). VCF-style: chr1-235746389-G-A. GRCh37 (hg19) VCF-style: chr1-235909689-G-A.
Other names: p.Ala2640Val; c.7919C>T (NM_000081.2); c.7919C>T, p.Ala2640Val (NM_001301365.1); short protein forms A2640V.
Identifiers: ClinVar variation 1506445 (VCV001506445.5), dbSNP rs575952855, ClinGen allele CA1465996.

ClinVar aggregate classification (germline): Uncertain significance. Review status: criteria provided, multiple submitters, no conflicts (2 of 4 stars). 3 submissions from 3 submitters: Uncertain significance (3). Last evaluated 2025-12-06.

Conditions:
Chédiak-Higashi syndrome (CHS). Also called: Chediak-Higashi Syndrome. Identifiers: Orphanet 167, MedGen C0007965, MONDO:0008963, OMIM 214500.
Inborn genetic diseases. Identifiers: MedGen C0950123, MeSH D030342.

Allele frequency attached by ClinVar (database versions not stated): gnomAD 0.00001; gnomAD exomes 0.00001; ExAC 0.00002; TOPMed 0.00002; 1000 Genomes Project 30x 0.00016; 1000 Genomes Project 0.00020.
gnomAD v4.1: 19 of 1,613,840 alleles (0.0012%); highest among the groups gnomAD compares: East Asian, 0.018%; no homozygotes.

Submissions (3):

Mayo Clinic Laboratories, Mayo Clinic
Classification: Uncertain significance. Last evaluated: 2025-12-06. Review status: criteria provided, single submitter. Criteria: ACMG Guidelines, 2015. Collection method: clinical testing. Allele origin: germline. Observed: 1 variant allele.
Comment: BP4_moderate

Ambry Genetics
Classification: Uncertain significance for Inborn genetic diseases. Last evaluated: 2024-03-15. Review status: criteria provided, single submitter. Criteria: Ambry Variant Classification Scheme 2023. Collection method: clinical testing. Allele origin: germline.

Labcorp Genetics (formerly Invitae), Labcorp
Classification: Uncertain significance for Chédiak-Higashi syndrome. Last evaluated: 2023-12-07. Review status: criteria provided, single submitter. Criteria: Invitae Variant Classification Sherloc (09022015). Collection method: clinical testing. Allele origin: germline.
Comment: This sequence change replaces alanine, which is neutral and non-polar, with valine, which is neutral and non-polar, at codon 2640 of the LYST protein (p.Ala2640Val). This variant is present in population databases (rs575952855, gnomAD 0.02%). This variant has not been reported in the literature in individuals affected with LYST-related conditions. ClinVar contains an entry for this variant (Variation ID: 1506445). Advanced modeling of protein sequence and biophysical properties (such as structural, functional, and spatial information, amino acid conservation, physicochemical variation, residue mobility, and thermodynamic stability) performed at Invitae indicates that this missense variant is not expected to disrupt LYST protein function with a negative predictive value of 80%. In summary, the available evidence is currently insufficient to determine the role of this variant in disease. Therefore, it has been classified as a Variant of Uncertain Significance.